The following is an entry in ClinVar:

ClinVar aggregate classification (germline): Uncertain significance. Review status: criteria provided, multiple submitters, no conflicts (2 of 4 stars). 3 submissions from 3 submitters: Uncertain significance (2). 1 of the submissions does not count toward it. Last evaluated 2022-01-04.

Conditions:
Autosomal recessive polycystic kidney disease (ARPKD). Also called: AR polycystic kidney disease. Identifiers: Orphanet 731, Orphanet 8378, MedGen C0085548, MeSH D017044, MONDO:0009889.

Submissions (3):

Labcorp Genetics (formerly Invitae), Labcorp
Classification: Uncertain significance for Autosomal recessive polycystic kidney disease. Last evaluated: 2022-01-04. Review status: criteria provided, single submitter. Criteria: Invitae Variant Classification Sherloc (09022015). Collection method: clinical testing. Allele origin: germline.
Comment: In summary, the available evidence is currently insufficient to determine the role of this variant in disease. Therefore, it has been classified as a Variant of Uncertain Significance. Advanced modeling of protein sequence and biophysical properties (such as structural, functional, and spatial information, amino acid conservation, physicochemical variation, residue mobility, and thermodynamic stability) performed at Invitae indicates that this missense variant is expected to disrupt PKHD1 protein function. ClinVar contains an entry for this variant (Variation ID: 220863). This missense change has been observed in individual(s) with polycystic kidney disease (Invitae). This variant is not present in population databases (gnomAD no frequency). This sequence change replaces glycine, which is neutral and non-polar, with cysteine, which is neutral and slightly polar, at codon 1863 of the PKHD1 protein (p.Gly1863Cys).

Eurofins Ntd Llc (ga)
Classification: Uncertain significance. Last evaluated: 2018-06-01. Review status: criteria provided, single submitter. Criteria: EGL ClinVar v180209 classification definitions. Collection method: clinical testing. Allele origin: germline. Observed: 1 variant allele, 1 heterozygote.

Natera, Inc.
Classification: Uncertain significance for Autosomal recessive polycystic kidney disease. Last evaluated: 2021-06-03. Review status: no assertion criteria provided. Collection method: clinical testing. Allele origin: germline. Not counted in ClinVar's aggregate classification.

NM_138694.4(PKHD1):c.5587G>T (p.Gly1863Cys)

Gene: PKHD1 (PKHD1 ciliary IPT domain containing fibrocystin/polyductin; minus strand). Cytogenetic location: 6p12.2.
Variant type: single nucleotide variant.
Coding change: c.5587G>T on transcript NM_138694.4 (MANE Select); coding-DNA position 5587, G replaced by T.
Protein change: p.Gly1863Cys; replaces glycine 1863 with cysteine.
Molecular consequence: missense variant.
Genome position (GRCh38, 1-based): chr6:52,017,423, C>A on the plus strand (G>T on the coding strand, the complement: PKHD1 is on the minus strand). VCF-style: chr6-52017423-C-A. GRCh37 (hg19) VCF-style: chr6-51882221-C-A.
Other names: c.5587G>T, p.Gly1863Cys (NM_170724.3); short protein forms G1863C.
Identifiers: ClinVar variation 220863 (VCV000220863.16), dbSNP rs776275341, ClinGen allele CA349585.